The following is an entry in ClinVar:

NM_000260.4(MYO7A):c.5950G>A (p.Val1984Met)

Gene: MYO7A (myosin VIIA; plus strand). Cytogenetic location: 11q13.5.
Variant type: single nucleotide variant.
Coding change: c.5950G>A on transcript NM_000260.4 (MANE Select); coding-DNA position 5950, G replaced by A.
Protein change: p.Val1984Met; replaces valine 1984 with methionine.
Molecular consequence: missense variant.
Genome position (GRCh38, 1-based): chr11:77,208,702, G>A. VCF-style: chr11-77208702-G-A. GRCh37 (hg19) VCF-style: chr11-76919747-G-A.
Other names: c.5836G>A, p.Val1946Met (NM_001127180.2); c.5803G>A, p.Val1935Met (NM_001369365.1); short protein forms V1984M, V1935M, V1946M.
Identifiers: ClinVar variation 306202 (VCV000306202.14), dbSNP rs377517717, ClinGen allele CA6198891.

ClinVar aggregate classification (germline): Uncertain significance. Review status: criteria provided, multiple submitters, no conflicts (2 of 4 stars). 5 submissions from 3 submitters: Uncertain significance (5). Last evaluated 2024-07-06.

Conditions:
Autosomal recessive nonsyndromic hearing loss 2. Also called: DEAFNESS, AUTOSOMAL RECESSIVE 2; NEUROSENSORY NONSYNDROMIC RECESSIVE DEAFNESS 2. Identifiers: Orphanet 90636, MedGen C1838701, MONDO:0010807, OMIM 600060.
Usher syndrome type 1 (USH1). Also called: RETINITIS PIGMENTOSA AND CONGENITAL DEAFNESS. Identifiers: Orphanet 231169, Orphanet 886, MedGen C1568247, MONDO:0010168, OMIM 276900.
Autosomal dominant nonsyndromic hearing loss 11. Identifiers: Orphanet 90635, MedGen C1832475, MONDO:0011032, OMIM 601317.

Allele frequency attached by ClinVar (database versions not stated): ESP Exome Variant Server 0.00008.
gnomAD v4.1: 17 of 1,582,226 alleles (0.0011%); highest among the groups gnomAD compares: Non-Finnish European, 0.0015%; no homozygotes.

Submissions (5):

Labcorp Genetics (formerly Invitae), Labcorp
Classification: Uncertain significance. Last evaluated: 2024-07-06. Review status: criteria provided, single submitter. Criteria: Invitae Variant Classification Sherloc (09022015). Collection method: clinical testing. Allele origin: germline.
Comment: This sequence change replaces valine, which is neutral and non-polar, with methionine, which is neutral and non-polar, at codon 1984 of the MYO7A protein (p.Val1984Met). The frequency data for this variant in the population databases is considered unreliable, as metrics indicate poor data quality at this position in the gnomAD database. This variant has not been reported in the literature in individuals affected with MYO7A-related conditions. ClinVar contains an entry for this variant (Variation ID: 306202). Advanced modeling of protein sequence and biophysical properties (such as structural, functional, and spatial information, amino acid conservation, physicochemical variation, residue mobility, and thermodynamic stability) performed at Invitae indicates that this missense variant is not expected to disrupt MYO7A protein function with a negative predictive value of 95%. In summary, the available evidence is currently insufficient to determine the role of this variant in disease. Therefore, it has been classified as a Variant of Uncertain Significance.

GeneDx
Classification: Uncertain significance. Last evaluated: 2020-07-23. Review status: criteria provided, single submitter. Criteria: GeneDx Variant Classification Process June 2021. Collection method: clinical testing. Allele origin: germline. Affected: yes.
Comment: In silico analysis supports that this missense variant does not alter protein structure/function; Has not been previously published as pathogenic or benign to our knowledge

Illumina Laboratory Services, Illumina
Classification: Uncertain significance for Autosomal dominant nonsyndromic hearing loss 11. Last evaluated: 2018-01-12. Review status: criteria provided, single submitter. Criteria: ICSL Variant Classification Criteria 13 December 2019. Collection method: clinical testing. Allele origin: germline.

Illumina Laboratory Services, Illumina
Classification: Uncertain significance for Usher syndrome type 1. Last evaluated: 2018-01-12. Review status: criteria provided, single submitter. Criteria: ICSL Variant Classification Criteria 13 December 2019. Collection method: clinical testing. Allele origin: germline.

Illumina Laboratory Services, Illumina
Classification: Uncertain significance for Autosomal recessive nonsyndromic hearing loss 2. Last evaluated: 2018-01-12. Review status: criteria provided, single submitter. Criteria: ICSL Variant Classification Criteria 13 December 2019. Collection method: clinical testing. Allele origin: germline.